The following is an entry in ClinVar:

NM_014336.5(AIPL1):c.961C>T (p.Leu321=)

Gene: AIPL1 (AIP like 1 HSP90 co-chaperone; minus strand). Cytogenetic location: 17p13.2.
Variant type: single nucleotide variant.
Coding change: c.961C>T on transcript NM_014336.5 (MANE Select); coding-DNA position 961, C replaced by T.
Protein change: p.Leu321=; no amino-acid change (leucine 321 retained).
Molecular consequence: synonymous variant. On other transcripts: 3 prime UTR variant (1).
Genome position (GRCh38, 1-based): chr17:6,425,654, G>A on the plus strand (C>T on the coding strand, the complement: AIPL1 is on the minus strand). VCF-style: chr17-6425654-G-A. GRCh37 (hg19) VCF-style: chr17-6328974-G-A.
Other names: c.772C>T, p.Leu258= (NM_001033054.3); c.781C>T, p.Leu261= (NM_001033055.3); c.925C>T, p.Leu309= (NM_001285399.3); c.895C>T, p.Leu299= (NM_001285400.3); c.889C>T, p.Leu297= (NM_001285401.3); c.844C>T, p.Leu282= (NM_001285402.2); c.*932C>T (NM_001285403.4); c.961C>T (NM_014336.4).
Identifiers: ClinVar variation 1571637 (VCV001571637.10), dbSNP rs779791471, ClinGen allele CA8328346.

ClinVar aggregate classification (germline): Likely benign. Review status: criteria provided, multiple submitters, no conflicts (2 of 4 stars). 2 submissions from 2 submitters: Likely benign (2). Last evaluated 2025-10-27.

Conditions:
AIPL1-related disorder. Also called: AIPL1-related condition; AIPL1-related disorders. Identifiers: MedGen CN239169.
Leber congenital amaurosis 4 (LCA4). Identifiers: MedGen C1858386, MONDO:0011458, OMIM 604393.

Allele frequency attached by ClinVar (database versions not stated): gnomAD 0.00001; TOPMed 0.00001; gnomAD exomes 0.00002 and 0.00005; ExAC 0.00005.
gnomAD v4.1: 38 of 1,611,420 alleles (0.0024%); highest among the groups gnomAD compares: Middle Eastern, 0.033%; 1 homozygote.

Submissions (2):

PreventionGenetics, part of Exact Sciences
Classification: Likely benign for AIPL1-related condition. Last evaluated: 2025-10-27. Review status: criteria provided, single submitter. Criteria: ACMG Guidelines, 2015. Collection method: clinical testing. Allele origin: germline.
Comment: This variant is classified as likely benign based on ACMG/AMP sequence variant interpretation guidelines (Richards et al. 2015 PMID: 25741868, with internal and published modifications).

Labcorp Genetics (formerly Invitae), Labcorp
Classification: Likely benign for Leber congenital amaurosis 4. Last evaluated: 2024-02-12. Review status: criteria provided, single submitter. Criteria: Invitae Variant Classification Sherloc (09022015). Collection method: clinical testing. Allele origin: germline.